The following is an entry in ClinVar:

NC_000015.10:g.(?_42396790)_(42404849_?)del

Gene: CAPN3 (calpain 3; plus strand). Cytogenetic location: 15q15.1.
Variant type: Deletion.
Identifiers: ClinVar variation 832060 (VCV000832060.3).

ClinVar aggregate classification (germline): Pathogenic (1 of 4 stars; one submission).

Conditions:
Autosomal recessive limb-girdle muscular dystrophy type 2A (LGMDR1). Also called: LEYDEN-MOEBIUS MUSCULAR DYSTROPHY; MUSCULAR DYSTROPHY, PELVOFEMORAL; Limb-girdle muscular dystrophy, type 2A; Calpainopathy; Muscular dystrophy, limb-girdle, type 2A, Amish. Identifiers: Orphanet 267, MedGen C1869123, MONDO:0009675, OMIM 253600. Disease mechanism: loss of function.

Submission:

Labcorp Genetics (formerly Invitae), Labcorp
Classification: Pathogenic for Autosomal recessive limb-girdle muscular dystrophy type 2A. Last evaluated: 2019-11-10. Review status: criteria provided, single submitter. Criteria: Invitae Variant Classification Sherloc (09022015). Collection method: clinical testing. Allele origin: germline.
Comment: For these reasons, this variant has been classified as Pathogenic. Loss-of-function variants in CAPN3 are known to be pathogenic (PMID: 10330340, 15689361). This variant has not been reported in the literature in individuals with CAPN3-related conditions. This variant is an out-of-frame deletion of the genomic region encompassing exons 9-14 of the CAPN3 gene. This is expected to create a premature translational stop signal and result in an absent or disrupted protein product.

Literature cited by the submitters: PubMed 10330340; PubMed 15689361.